The following is an entry in ClinVar:

ClinVar aggregate classification (germline): Uncertain significance (1 of 4 stars; one submission).

Conditions:
Congenital myasthenic syndrome 10. Also called: Myasthenia, limb-girdle, familial. Identifiers: Orphanet 590, MedGen C1850792, MONDO:0009690, OMIM 254300.
Fetal akinesia deformation sequence 1 (FADS1). Also called: Pena-Shokeir syndrome type I; Fetal akinesia sequence. Identifiers: Orphanet 994, MedGen C1276035, MONDO:0100101, OMIM 208150, HP:0001989.

Allele frequency attached by ClinVar (database versions not stated): gnomAD 0.00003; gnomAD exomes 0.00011; ExAC 0.00033.
gnomAD v4.1: 42 of 1,567,866 alleles (0.0027%); highest among the groups gnomAD compares: South Asian, 0.049%; no homozygotes.

Submission:

Labcorp Genetics (formerly Invitae), Labcorp
Classification: Uncertain significance for Congenital myasthenic syndrome 10; Fetal akinesia deformation sequence 1. Last evaluated: 2022-07-25. Review status: criteria provided, single submitter. Criteria: Invitae Variant Classification Sherloc (09022015). Collection method: clinical testing. Allele origin: germline.
Comment: This sequence change replaces methionine, which is neutral and non-polar, with valine, which is neutral and non-polar, at codon 311 of the DOK7 protein (p.Met311Val). This variant is present in population databases (rs752949999, gnomAD 0.07%). This variant has not been reported in the literature in individuals affected with DOK7-related conditions. ClinVar contains an entry for this variant (Variation ID: 1370868). Algorithms developed to predict the effect of missense changes on protein structure and function output the following: SIFT: "Tolerated"; PolyPhen-2: "Benign"; Align-GVGD: "Class C0". The valine amino acid residue is found in multiple mammalian species, which suggests that this missense change does not adversely affect protein function. In summary, the available evidence is currently insufficient to determine the role of this variant in disease. Therefore, it has been classified as a Variant of Uncertain Significance.

NM_173660.5(DOK7):c.931A>G (p.Met311Val)

Gene: DOK7 (docking protein 7; plus strand). Cytogenetic location: 4p16.3.
Variant type: single nucleotide variant.
Coding change: c.931A>G on transcript NM_173660.5 (MANE Select); coding-DNA position 931, A replaced by G.
Protein change: p.Met311Val; replaces methionine 311 with valine.
Molecular consequence: missense variant. On other transcripts: 3 prime UTR variant (1), initiator codon variant (1).
Genome position (GRCh38, 1-based): chr4:3,492,917, A>G. VCF-style: chr4-3492917-A-G. GRCh37 (hg19) VCF-style: chr4-3494644-A-G.
Other names: c.*152A>G (NM_001164673.2); c.1A>G, p.Met1Val (NM_001256896.2); c.931A>G, p.Met311Val (NM_001301071.2); c.499A>G, p.Met167Val (NM_001363811.2); short protein forms M167V, M1V, M311V.
Identifiers: ClinVar variation 1370868 (VCV001370868.4), dbSNP rs752949999, ClinGen allele CA2829291.